The following is an entry in ClinVar:

NM_014793.5(LCMT2):c.590A>C (p.Glu197Ala)

Gene: LCMT2 (leucine carboxyl methyltransferase 2; minus strand). Cytogenetic location: 15q15.3.
Variant type: single nucleotide variant.
Coding change: c.590A>C on transcript NM_014793.5 (MANE Select); coding-DNA position 590, A replaced by C.
Protein change: p.Glu197Ala; replaces glutamic acid 197 with alanine.
Molecular consequence: missense variant.
Genome position (GRCh38, 1-based): chr15:43,329,900, T>G on the plus strand (A>C on the coding strand, the complement: LCMT2 is on the minus strand). VCF-style: chr15-43329900-T-G. GRCh37 (hg19) VCF-style: chr15-43622098-T-G.
Other names: short protein forms E197A.
Identifiers: ClinVar variation 2645272 (VCV002645272.24), dbSNP rs35910853, ClinGen allele CA7522539.

ClinVar aggregate classification (germline): Likely benign (1 of 4 stars; one submission).

Allele frequency attached by ClinVar (database versions not stated): 1000 Genomes Project 0.00160; 1000 Genomes Project 30x 0.00172; ExAC 0.00208; ESP Exome Variant Server 0.00231; gnomAD 0.00239; TOPMed 0.00289; gnomAD exomes 0.00322.

Submission:

CeGaT Center for Human Genetics Tuebingen
Classification: Likely benign. Last evaluated: 2022-12-01. Review status: criteria provided, single submitter. Criteria: CeGaT Center For Human Genetics Tuebingen Variant Classification Criteria Version 2. Collection method: clinical testing. Allele origin: germline. Affected: yes. Observed: 1 variant allele.
Comment: LCMT2: BP4, BS2